The following is an entry in ClinVar:

NM_004260.4(RECQL4):c.1379G>A (p.Gly460Glu)

Gene: RECQL4 (RecQ like helicase 4; minus strand). Cytogenetic location: 8q24.3.
Variant type: single nucleotide variant.
Coding change: c.1379G>A on transcript NM_004260.4 (MANE Select); coding-DNA position 1379, G replaced by A.
Protein change: p.Gly460Glu; replaces glycine 460 with glutamic acid.
Molecular consequence: missense variant.
Genome position (GRCh38, 1-based): chr8:144,515,337, C>T on the plus strand (G>A on the coding strand, the complement: RECQL4 is on the minus strand). VCF-style: chr8-144515337-C-T. GRCh37 (hg19) VCF-style: chr8-145740721-C-T.
Other names: short protein forms G460E.
Identifiers: ClinVar variation 529030 (VCV000529030.9), dbSNP rs764224012, ClinGen allele CA4948900.

ClinVar aggregate classification (germline): Uncertain significance. Review status: criteria provided, multiple submitters, no conflicts (2 of 4 stars). 2 submissions from 2 submitters: Uncertain significance (2). Last evaluated 2024-12-17.

Conditions:
Baller-Gerold syndrome (BGS). Also called: CRANIOSYNOSTOSIS WITH RADIAL DEFECTS. Identifiers: Orphanet 1225, MedGen C0265308, MONDO:0009039, OMIM 218600.
Inborn genetic diseases. Identifiers: MedGen C0950123, MeSH D030342.

Allele frequency attached by ClinVar (database versions not stated): gnomAD exomes below 0.00001 and 0.00002; ExAC 0.00001; TOPMed 0.00001.

Submissions (2):

Ambry Genetics
Classification: Uncertain significance for Inborn genetic diseases. Last evaluated: 2024-12-17. Review status: criteria provided, single submitter. Criteria: Ambry Variant Classification Scheme 2023. Collection method: clinical testing. Allele origin: germline.

Labcorp Genetics (formerly Invitae), Labcorp
Classification: Uncertain significance for Baller-Gerold syndrome. Last evaluated: 2023-10-14. Review status: criteria provided, single submitter. Criteria: Invitae Variant Classification Sherloc (09022015). Collection method: clinical testing. Allele origin: germline.
Comment: This sequence change replaces glycine, which is neutral and non-polar, with glutamic acid, which is acidic and polar, at codon 460 of the RECQL4 protein (p.Gly460Glu). This variant is present in population databases (rs764224012, gnomAD 0.0009%). This variant has not been reported in the literature in individuals affected with RECQL4-related conditions. ClinVar contains an entry for this variant (Variation ID: 529030). Advanced modeling of protein sequence and biophysical properties (such as structural, functional, and spatial information, amino acid conservation, physicochemical variation, residue mobility, and thermodynamic stability) has been performed at Invitae for this missense variant, however the output from this modeling did not meet the statistical confidence thresholds required to predict the impact of this variant on RECQL4 protein function. In summary, the available evidence is currently insufficient to determine the role of this variant in disease. Therefore, it has been classified as a Variant of Uncertain Significance.